The following is an entry in ClinVar:

ClinVar aggregate classification (germline): Benign/Likely benign. Review status: criteria provided, multiple submitters, no conflicts (2 of 4 stars). 21 submissions from 19 submitters: Benign (12); Likely benign (3). 6 of the submissions do not count toward it. Last evaluated 2026-02-03.

Conditions:
Cardiovascular phenotype. Identifiers: MedGen CN230736.
Cardiomyopathy (CMYO). Also called: Cardiomyopathies. Identifiers: Orphanet 167848, MedGen C0878544, MONDO:0004994, HP:0001638. Inheritance: Various modes of inheritance.
Arrhythmogenic right ventricular dysplasia 8 (ARVD8). Also called: ARRHYTHMOGENIC RIGHT VENTRICULAR CARDIOMYOPATHY 8; Arrhythmogenic Right Ventricular Dysplasia/Cardiomyopathy 8; ARRHYTHMOGENIC RIGHT VENTRICULAR DYSPLASIA, FAMILIAL, 8. Identifiers: MedGen C1843896, MONDO:0011831, OMIM 607450.
Arrhythmogenic cardiomyopathy with wooly hair and keratoderma. Also called: Carvajal syndrome; Dilated cardiomyopathy with woolly hair and keratoderma; PALMOPLANTAR KERATODERMA WITH LEFT VENTRICULAR CARDIOMYOPATHY AND WOOLLY HAIR; Arrhythmogenic cardiomyopathy with woolly hair and keratoderma. Identifiers: Orphanet 65282, MedGen C1854063, MONDO:0011581, OMIM 605676.
Woolly hair-skin fragility syndrome (WHSF). Identifiers: Orphanet 293165, MedGen C1843292, MONDO:0957307, OMIM 620415.
Lethal acantholytic epidermolysis bullosa (EBLA). Identifiers: Orphanet 158687, MedGen C1864826, MONDO:0012323, OMIM 609638.

Allele frequency attached by ClinVar (database versions not stated): 1000 Genomes Project 0.00719; 1000 Genomes Project 30x 0.00765; TOPMed 0.01215; gnomAD 0.01304 and 0.01341; ESP Exome Variant Server 0.01307; ExAC 0.01347; gnomAD exomes 0.01383 and 0.01718.
gnomAD v4.1: 27,006 of 1,614,084 alleles (1.7%); highest among the groups gnomAD compares: Non-Finnish European, 1.9%; 272 homozygotes.

Submissions (21):

Labcorp Genetics (formerly Invitae), Labcorp
Classification: Benign for Arrhythmogenic cardiomyopathy with wooly hair and keratoderma; Arrhythmogenic right ventricular dysplasia 8. Last evaluated: 2026-02-03. Review status: criteria provided, single submitter. Criteria: Invitae Variant Classification Sherloc (09022015). Collection method: clinical testing. Allele origin: germline.

ARUP Laboratories, Molecular Genetics and Genomics, ARUP Laboratories
Classification: Benign. Last evaluated: 2025-04-09. Review status: criteria provided, single submitter. Criteria: ARUP Molecular Germline Variant Investigation Process 2024. Collection method: clinical testing. Allele origin: germline.

Blueprint Genetics
Classification: Likely benign. Last evaluated: 2024-11-25. Review status: criteria provided, single submitter. Criteria: ACMG Guidelines, 2015. Collection method: clinical testing. Allele origin: germline.

All of Us Research Program, National Institutes of Health
Classification: Benign for Arrhythmogenic cardiomyopathy with wooly hair and keratoderma. Last evaluated: 2024-02-05. Review status: criteria provided, single submitter. Criteria: ACMG Guidelines, 2015. Collection method: clinical testing. Allele origin: germline. Inheritance: Autosomal dominant inheritance. Observed: 3,291 variant alleles, 3,263 heterozygotes, 28 homozygotes.
Comment: This study involves interpretation of variants in research participants for the purpose of population health screening. Participant phenotype was not available at the time of variant classification. Additional details can be found in publication PMID: 35346344, PMCID: PMC8962531

Molecular Diagnostic Laboratory for Inherited Cardiovascular Disease, Montreal Heart Institute
Classification: Benign. Last evaluated: 2020-01-29. Review status: criteria provided, single submitter. Criteria: ACMG Guidelines, 2015. Collection method: clinical testing. Allele origin: germline. Affected: yes.

Color Diagnostics, LLC DBA Color Health
Classification: Benign for Cardiomyopathy. Last evaluated: 2018-03-16. Review status: criteria provided, single submitter. Criteria: ACMG Guidelines, 2015. Collection method: clinical testing. Allele origin: germline.

Illumina Laboratory Services, Illumina
Classification: Benign for Arrhythmogenic cardiomyopathy with wooly hair and keratoderma. Last evaluated: 2018-01-13. Review status: criteria provided, single submitter. Criteria: ICSL Variant Classification Criteria 13 December 2019. Collection method: clinical testing. Allele origin: germline.
Comment: This variant was observed in the ICSL laboratory as part of a predisposition screen in an ostensibly healthy population. It had not been previously curated by ICSL or reported in the Human Gene Mutation Database (HGMD: prior to June 1st, 2018), and was therefore a candidate for classification through an automated scoring system. Utilizing variant allele frequency, disease prevalence and penetrance estimates, and inheritance mode, an automated score was calculated to assess if this variant is too frequent to cause the disease. Based on the score and internal cut-off values, a variant classified as benign is not then subjected to further curation. The score for this variant resulted in a classification of benign for this disease.

Illumina Laboratory Services, Illumina
Classification: Benign for Lethal acantholytic epidermolysis bullosa. Last evaluated: 2018-01-13. Review status: criteria provided, single submitter. Criteria: ICSL Variant Classification Criteria 13 December 2019. Collection method: clinical testing. Allele origin: germline.
Comment: the same text as in the submission from Illumina Laboratory Services, Illumina above.

Illumina Laboratory Services, Illumina
Classification: Likely benign for Arrhythmogenic right ventricular dysplasia 8. Last evaluated: 2018-01-13. Review status: criteria provided, single submitter. Criteria: ICSL Variant Classification Criteria 13 December 2019. Collection method: clinical testing. Allele origin: germline.
Comment: This variant was observed in the ICSL laboratory as part of a predisposition screen in an ostensibly healthy population. It had not been previously curated by ICSL or reported in the Human Gene Mutation Database (HGMD: prior to June 1st, 2018), and was therefore a candidate for classification through an automated scoring system. Utilizing variant allele frequency, disease prevalence and penetrance estimates, and inheritance mode, an automated score was calculated to assess if this variant is too frequent to cause the disease. Based on the score and internal cut-off values, a variant classified as likely benign is not then subjected to further curation. The score for this variant resulted in a classification of likely benign for this disease.

Mayo Clinic Laboratories, Mayo Clinic
Classification: Benign. Last evaluated: 2016-10-03. Review status: criteria provided, single submitter. Criteria: ACMG Guidelines, 2015. Collection method: clinical testing. Allele origin: germline. Observed: 23 variant alleles.

Ambry Genetics
Classification: Benign for Cardiovascular phenotype. Last evaluated: 2015-05-06. Review status: criteria provided, single submitter. Criteria: Ambry Variant Classification Scheme 2023. Collection method: clinical testing. Allele origin: germline.

GeneDx
Classification: Benign. Last evaluated: 2015-03-03. Review status: criteria provided, single submitter. Criteria: GeneDx Variant Classification Process June 2021. Collection method: clinical testing. Allele origin: germline. Affected: yes.

Laboratory for Molecular Medicine, Mass General Brigham Personalized Medicine
Classification: Benign. Last evaluated: 2011-12-27. Review status: criteria provided, single submitter. Criteria: LMM Criteria. Collection method: clinical testing. Allele origin: germline. Observed: 57 variant alleles.
Comment: Arg1591Arg in exon 23 of DSP: This variant has been reported in the SNP database (rs28763968) and is present in 1.8% (127/7020) of Caucasian chromosomes in a br oad clinical cohort from the NHLBI Exome sequencing project. It does not change an amino acid and does not affect the splice consensus sequence. This makes a disease causing role very unlikely.

Breakthrough Genomics
Classification: Likely benign. Review status: criteria provided, single submitter. Criteria: ACMG Guidelines, 2015. Collection method: not provided. Allele origin: germline. Inheritance: Autosomal recessive inheritance. Affected: yes.

PreventionGenetics, part of Exact Sciences
Classification: Benign. Review status: criteria provided, single submitter. Criteria: ACMG Guidelines, 2015. Collection method: clinical testing. Allele origin: germline.

Women's Health and Genetics/Laboratory Corporation of America, LabCorp
Classification: Benign for Cardiomyopathy. Last evaluated: 2014-07-19. Review status: no assertion criteria provided. Collection method: clinical testing. Allele origin: germline. Not counted in ClinVar's aggregate classification.

Clinical Genetics DNA and cytogenetics Diagnostics Lab, Erasmus MC, Erasmus Medical Center
Classification: Benign. Review status: no assertion criteria provided. Collection method: clinical testing. Allele origin: germline. Affected: yes. Study: VKGL Data-share Consensus. Not counted in ClinVar's aggregate classification.

Clinical Genetics, Academic Medical Center
Classification: Benign. Review status: no assertion criteria provided. Collection method: clinical testing. Allele origin: germline. Affected: yes. Study: VKGL Data-share Consensus. Not counted in ClinVar's aggregate classification.

Diagnostic Laboratory, Department of Genetics, University Medical Center Groningen
Classification: Likely benign. Review status: no assertion criteria provided. Collection method: clinical testing. Allele origin: germline. Affected: yes. Study: VKGL Data-share Consensus. Not counted in ClinVar's aggregate classification.

Genome Diagnostics Laboratory, University Medical Center Utrecht
Classification: Benign. Review status: no assertion criteria provided. Collection method: clinical testing. Allele origin: germline. Affected: yes. Study: VKGL Data-share Consensus. Not counted in ClinVar's aggregate classification.

Joint Genome Diagnostic Labs from Nijmegen and Maastricht, Radboudumc and MUMC+
Classification: Benign. Review status: no assertion criteria provided. Collection method: clinical testing. Allele origin: germline. Affected: yes. Study: VKGL Data-share Consensus. Not counted in ClinVar's aggregate classification.

NM_004415.4(DSP):c.4773G>A (p.Arg1591=)

Gene: DSP (desmoplakin; plus strand). Cytogenetic location: 6p24.3.
Variant type: single nucleotide variant.
Coding change: c.4773G>A on transcript NM_004415.4 (MANE Select); coding-DNA position 4773, G replaced by A.
Protein change: p.Arg1591=; no amino-acid change (arginine 1591 retained).
Molecular consequence: synonymous variant. On other transcripts: intron variant (2).
Genome position (GRCh38, 1-based): chr6:7,580,963, G>A. VCF-style: chr6-7580963-G-A. GRCh37 (hg19) VCF-style: chr6-7581196-G-A.
Other names: p.Arg1591=; c.4050+723G>A (NM_001319034.2); c.3582+1191G>A (NM_001008844.3).
Identifiers: ClinVar variation 36021 (VCV000036021.51), dbSNP rs28763968, ClinGen allele CA004163.